The following is an entry in ClinVar:

NM_001171.6(ABCC6):c.3997G>A (p.Val1333Met)

Gene: ABCC6 (ATP binding cassette subfamily C member 6; minus strand). Cytogenetic location: 16p13.11.
Variant type: single nucleotide variant.
Coding change: c.3997G>A on transcript NM_001171.6 (MANE Select); coding-DNA position 3997, G replaced by A.
Protein change: p.Val1333Met; replaces valine 1333 with methionine.
Molecular consequence: missense variant. On other transcripts: non-coding transcript variant (1).
Genome position (GRCh38, 1-based): chr16:16,154,917, C>T on the plus strand (G>A on the coding strand, the complement: ABCC6 is on the minus strand). VCF-style: chr16-16154917-C-T. GRCh37 (hg19) VCF-style: chr16-16248774-C-T.
Other names: c.3655G>A, p.Val1219Met (NM_001351800.1); c.3997G>A (NM_001171.5); short protein forms V1333M, V1219M.
Identifiers: ClinVar variation 1448478 (VCV001448478.7), dbSNP rs142505247, ClinGen allele CA7925355.

ClinVar aggregate classification (germline): Uncertain significance. Review status: criteria provided, multiple submitters, no conflicts (2 of 4 stars). 3 submissions from 3 submitters: Uncertain significance (3). Last evaluated 2026-04-17.

Conditions:
ABCC6-related disorder. Also called: ABCC6-related condition.
Arterial calcification, generalized, of infancy, 2. Identifiers: Orphanet 51608, MedGen C3276161, MONDO:0013768, OMIM 614473.
Autosomal recessive inherited pseudoxanthoma elasticum (PXE). Identifiers: Orphanet 758, MedGen CN032334, MONDO:0009925, OMIM 264800.
Pseudoxanthoma elasticum, forme fruste. Also called: Pseudoxanthoma Elasticum, Incomplete; PSEUDOXANTHOMA ELASTICUM, HETEROZYGOUS. Identifiers: Orphanet 758, MedGen C1867450, MONDO:0008333, OMIM 177850.

Allele frequency attached by ClinVar (database versions not stated): gnomAD 0.00003; TOPMed 0.00003; ESP Exome Variant Server 0.00008.

Submissions (3):

PreventionGenetics, part of Exact Sciences
Classification: Uncertain significance for ABCC6-related condition. Last evaluated: 2026-04-17. Review status: criteria provided, single submitter. Criteria: ACMG Guidelines, 2015. Collection method: clinical testing. Allele origin: germline.
Comment: The ABCC6 c.3997G>A variant is predicted to result in the amino acid substitution p.Val1333Met. To our knowledge, this variant has not been reported in the literature. This variant is reported in 0.0069% of alleles in individuals of South Asian descent in gnomAD. At this time, the clinical significance of this variant is uncertain due to the absence of conclusive functional and genetic evidence.

Labcorp Genetics (formerly Invitae), Labcorp
Classification: Uncertain significance. Last evaluated: 2022-09-01. Review status: criteria provided, single submitter. Criteria: Invitae Variant Classification Sherloc (09022015). Collection method: clinical testing. Allele origin: germline.
Comment: In summary, the available evidence is currently insufficient to determine the role of this variant in disease. Therefore, it has been classified as a Variant of Uncertain Significance. Advanced modeling of protein sequence and biophysical properties (such as structural, functional, and spatial information, amino acid conservation, physicochemical variation, residue mobility, and thermodynamic stability) performed at Invitae indicates that this missense variant is not expected to disrupt ABCC6 protein function. ClinVar contains an entry for this variant (Variation ID: 1448478). This variant has not been reported in the literature in individuals affected with ABCC6-related conditions. This variant is present in population databases (rs142505247, gnomAD 0.007%). This sequence change replaces valine, which is neutral and non-polar, with methionine, which is neutral and non-polar, at codon 1333 of the ABCC6 protein (p.Val1333Met).

Fulgent Genetics
Classification: Uncertain significance for Pseudoxanthoma elasticum, forme fruste; Autosomal recessive inherited pseudoxanthoma elasticum; Arterial calcification, generalized, of infancy, 2. Last evaluated: 2021-12-23. Review status: criteria provided, single submitter. Criteria: ACMG Guidelines, 2015. Collection method: clinical testing. Allele origin: unknown.